The following is an entry in ClinVar:

ClinVar aggregate classification (germline): Uncertain significance (1 of 4 stars; one submission).

Conditions:
Inborn genetic diseases. Identifiers: MedGen C0950123, MeSH D030342.

Submission:

Ambry Genetics
Classification: Uncertain significance for Inborn genetic diseases. Last evaluated: 2021-12-10. Review status: criteria provided, single submitter. Criteria: Ambry Variant Classification Scheme 2023. Collection method: clinical testing. Allele origin: germline.
Comment: The p.D1429Y variant (also known as c.4285G>T), located in coding exon 24 of the ATR gene, results from a G to T substitution at nucleotide position 4285. The aspartic acid at codon 1429 is replaced by tyrosine, an amino acid with highly dissimilar properties. This amino acid position is conserved. In addition, this alteration is predicted to be tolerated by in silico analysis. Since supporting evidence is limited at this time, the clinical significance of this alteration remains unclear.

NM_001184.4(ATR):c.4285G>T (p.Asp1429Tyr)

Gene: ATR (ATR checkpoint kinase; minus strand). Cytogenetic location: 3q23.
Variant type: single nucleotide variant.
Coding change: c.4285G>T on transcript NM_001184.4 (MANE Select); coding-DNA position 4285, G replaced by T.
Protein change: p.Asp1429Tyr; replaces aspartic acid 1429 with tyrosine.
Molecular consequence: missense variant.
Genome position (GRCh38, 1-based): chr3:142,519,766, C>A on the plus strand (G>T on the coding strand, the complement: ATR is on the minus strand). VCF-style: chr3-142519766-C-A. GRCh37 (hg19) VCF-style: chr3-142238608-C-A.
Other names: c.4093G>T, p.Asp1365Tyr (NM_001354579.2); short protein forms D1429Y, D1365Y.
Identifiers: ClinVar variation 1739378 (VCV001739378.2), dbSNP rs1446285422, ClinGen allele CA354800393.